The following is an entry in ClinVar:

ClinVar aggregate classification (germline): Uncertain significance. Review status: criteria provided, multiple submitters, no conflicts (2 of 4 stars). 2 submissions from 2 submitters: Uncertain significance (2). Last evaluated 2026-02-01.

Conditions:
Inborn genetic diseases. Identifiers: MedGen C0950123, MeSH D030342.

Allele frequency attached by ClinVar (database versions not stated): gnomAD exomes 0.00002; ExAC 0.00003; TOPMed 0.00006; gnomAD 0.00007; 1000 Genomes Project 30x 0.00031; 1000 Genomes Project 0.00040.
gnomAD v4.1: 37 of 1,503,780 alleles (0.0025%); highest among the groups gnomAD compares: African/African-American, 0.014%; 1 homozygote.

Submissions (2):

CeGaT Center for Human Genetics Tuebingen
Classification: Uncertain significance. Last evaluated: 2026-02-01. Review status: criteria provided, single submitter. Criteria: CeGaT Center For Human Genetics Tuebingen Variant Classification Criteria Version 2. Collection method: clinical testing. Allele origin: germline. Affected: yes. Observed: 1 variant allele.

Ambry Genetics
Classification: Uncertain significance for Inborn genetic diseases. Last evaluated: 2020-12-07. Review status: criteria provided, single submitter. Criteria: Ambry Variant Classification Scheme 2023. Collection method: clinical testing. Allele origin: germline.
Comment: The c.2600A>G (p.K867R) alteration is located in exon 8 (coding exon 8) of the KDM3B gene. This alteration results from a A to G substitution at nucleotide position 2600, causing the lysine (K) at amino acid position 867 to be replaced by an arginine (R). The p.K867R alteration is predicted to be tolerated by in silico analysis. Based on insufficient or conflicting evidence, the clinical significance of this alteration remains unclear.

NM_016604.4(KDM3B):c.2600A>G (p.Lys867Arg)

Gene: KDM3B (lysine demethylase 3B; plus strand). Cytogenetic location: 5q31.2.
Variant type: single nucleotide variant.
Coding change: c.2600A>G on transcript NM_016604.4 (MANE Select); coding-DNA position 2600, A replaced by G.
Protein change: p.Lys867Arg; replaces lysine 867 with arginine.
Molecular consequence: missense variant.
Genome position (GRCh38, 1-based): chr5:138,392,232, A>G. VCF-style: chr5-138392232-A-G. GRCh37 (hg19) VCF-style: chr5-137727921-A-G.
Other names: short protein forms K867R.
Identifiers: ClinVar variation 2368250 (VCV002368250.6), dbSNP rs536415376, ClinGen allele CA3429075.